The following is an entry in ClinVar:

NM_005477.3(HCN4):c.3490C>G (p.Pro1164Ala)

Gene: HCN4 (hyperpolarization activated cyclic nucleotide gated potassium channel 4; minus strand). Cytogenetic location: 15q24.1.
Variant type: single nucleotide variant.
Coding change: c.3490C>G on transcript NM_005477.3 (MANE Select); coding-DNA position 3490, C replaced by G.
Protein change: p.Pro1164Ala; replaces proline 1164 with alanine.
Molecular consequence: missense variant.
Genome position (GRCh38, 1-based): chr15:73,322,603, G>C on the plus strand (C>G on the coding strand, the complement: HCN4 is on the minus strand). VCF-style: chr15-73322603-G-C. GRCh37 (hg19) VCF-style: chr15-73614944-G-C.
Other names: short protein forms P1164A.
Identifiers: ClinVar variation 849884 (VCV000849884.11), dbSNP rs750255859, ClinGen allele CA7648815.

ClinVar aggregate classification (germline): Uncertain significance. Review status: criteria provided, multiple submitters, no conflicts (2 of 4 stars). 4 submissions from 4 submitters: Uncertain significance (4). Last evaluated 2025-12-17.

Conditions:
Brugada syndrome 8 (BRGDA8). Identifiers: Orphanet 130, MedGen C2751083, MONDO:0013148, OMIM 613123.
Cardiovascular phenotype. Identifiers: MedGen CN230736.

Allele frequency attached by ClinVar (database versions not stated): gnomAD 0.00001; ExAC 0.00002; TOPMed 0.00003.

Submissions (4):

Labcorp Genetics (formerly Invitae), Labcorp
Classification: Uncertain significance for Brugada syndrome 8. Last evaluated: 2025-12-17. Review status: criteria provided, single submitter. Criteria: Invitae Variant Classification Sherloc (09022015). Collection method: clinical testing. Allele origin: germline.
Comment: This sequence change replaces proline, which is neutral and non-polar, with alanine, which is neutral and non-polar, at codon 1164 of the HCN4 protein (p.Pro1164Ala). This variant is present in population databases (rs750255859, gnomAD 0.009%). This missense change has been observed in individual(s) with partial epilepsy (PMID: 30986657). ClinVar contains an entry for this variant (Variation ID: 849884). Invitae Evidence Modeling of protein sequence and biophysical properties (such as structural, functional, and spatial information, amino acid conservation, physicochemical variation, residue mobility, and thermodynamic stability) indicates that this missense variant is not expected to disrupt HCN4 protein function with a negative predictive value of 95%. In summary, the available evidence is currently insufficient to determine the role of this variant in disease. Therefore, it has been classified as a Variant of Uncertain Significance.

Dasa
Classification: Uncertain significance. Last evaluated: 2025-09-17. Review status: criteria provided, single submitter. Criteria: DASA Assertion Criteria. Collection method: clinical testing. Allele origin: germline.
Comment: NM_005477.3(HCN4):c.3490C>G (p.Pro1164Ala) is a missense variant that results in the substitution of proline with alanine. This variant is rare in population databases. The currently available literature and clinical evidence are not sufficient to establish a definitive association between this variant and the reported condition. Therefore, this variant is classified as a variant of uncertain significance.

Ambry Genetics
Classification: Uncertain significance for Cardiovascular phenotype. Last evaluated: 2025-09-03. Review status: criteria provided, single submitter. Criteria: Ambry Variant Classification Scheme 2023. Collection method: clinical testing. Allele origin: germline.
Comment: The p.P1164A variant (also known as c.3490C>G), located in coding exon 8 of the HCN4 gene, results from a C to G substitution at nucleotide position 3490. The proline at codon 1164 is replaced by alanine, an amino acid with highly similar properties. This amino acid position is well conserved in available vertebrate species. In addition, the in silico prediction for this alteration is inconclusive. Based on the available evidence, the clinical significance of this variant remains unclear.

GeneDx
Classification: Uncertain significance. Last evaluated: 2025-01-24. Review status: criteria provided, single submitter. Criteria: GeneDx Variant Classification Process June 2021. Collection method: clinical testing. Allele origin: germline. Affected: yes.
Comment: In silico analysis indicates that this missense variant does not alter protein structure/function; Has not been previously published as pathogenic or benign to our knowledge

Literature cited by the submitters: PubMed 30986657 (cited by Labcorp Genetics (formerly Invitae), Labcorp); PubMed 38489124 (cited by Ambry Genetics).